The following is an entry in ClinVar:

ClinVar aggregate classification (germline): Uncertain significance. Review status: criteria provided, multiple submitters, no conflicts (2 of 4 stars). 5 submissions from 3 submitters: Uncertain significance (5). Last evaluated 2026-01-12.

Conditions:
Age related macular degeneration 5. Identifiers: MedGen C3151063, MONDO:0013409, OMIM 613761.
Cockayne syndrome type 2 (CSB). Also called: Cockayne Syndrome, Type II; COCKAYNE SYNDROME B. Identifiers: Orphanet 191, Orphanet 90322, MedGen C0751038, MONDO:0019570, OMIM 133540.
Cerebrooculofacioskeletal syndrome 1 (COFS1). Also called: Cerebro-oculo-facio-skeletal syndrome 1. Identifiers: MedGen C0220722, MONDO:0008955, OMIM 214150.

Allele frequency attached by ClinVar (database versions not stated): ExAC 0.00002; gnomAD 0.00004 and 0.00005; gnomAD exomes 0.00006; TOPMed 0.00007.
gnomAD v4.1: 73 of 1,614,010 alleles (0.0045%); highest among the groups gnomAD compares: Middle Eastern, 0.049%; no homozygotes.

Submissions (5):

Labcorp Genetics (formerly Invitae), Labcorp
Classification: Uncertain significance. Last evaluated: 2026-01-12. Review status: criteria provided, single submitter. Criteria: Invitae Variant Classification Sherloc (09022015). Collection method: clinical testing. Allele origin: germline.
Comment: This sequence change replaces asparagine, which is neutral and polar, with serine, which is neutral and polar, at codon 999 of the ERCC6 protein (p.Asn999Ser). This variant is present in population databases (rs760694729, gnomAD 0.02%). This variant has not been reported in the literature in individuals affected with ERCC6-related conditions. ClinVar contains an entry for this variant (Variation ID: 300054). Invitae Evidence Modeling of protein sequence and biophysical properties (such as structural, functional, and spatial information, amino acid conservation, physicochemical variation, residue mobility, and thermodynamic stability) indicates that this missense variant is not expected to disrupt ERCC6 protein function with a negative predictive value of 95%. In summary, the available evidence is currently insufficient to determine the role of this variant in disease. Therefore, it has been classified as a Variant of Uncertain Significance.

GeneDx
Classification: Uncertain significance. Last evaluated: 2022-05-20. Review status: criteria provided, single submitter. Criteria: GeneDx Variant Classification Process June 2021. Collection method: clinical testing. Allele origin: germline. Affected: yes.
Comment: In silico analysis supports that this missense variant has a deleterious effect on protein structure/function; Has not been previously published as pathogenic or benign to our knowledge

Illumina Laboratory Services, Illumina
Classification: Uncertain significance for Age related macular degeneration 5. Last evaluated: 2018-01-12. Review status: criteria provided, single submitter. Criteria: ICSL Variant Classification Criteria 13 December 2019. Collection method: clinical testing. Allele origin: germline.

Illumina Laboratory Services, Illumina
Classification: Uncertain significance for Cerebrooculofacioskeletal syndrome 1. Last evaluated: 2018-01-12. Review status: criteria provided, single submitter. Criteria: ICSL Variant Classification Criteria 13 December 2019. Collection method: clinical testing. Allele origin: germline.

Illumina Laboratory Services, Illumina
Classification: Uncertain significance for Cockayne syndrome type 2. Last evaluated: 2018-01-12. Review status: criteria provided, single submitter. Criteria: ICSL Variant Classification Criteria 13 December 2019. Collection method: clinical testing. Allele origin: germline.

NM_000124.4(ERCC6):c.2996A>G (p.Asn999Ser)

Gene: ERCC6 (ERCC excision repair 6, chromatin remodeling factor; minus strand). Cytogenetic location: 10q11.23.
Variant type: single nucleotide variant.
Coding change: c.2996A>G on transcript NM_000124.4 (MANE Select); coding-DNA position 2996, A replaced by G.
Protein change: p.Asn999Ser; replaces asparagine 999 with serine.
Molecular consequence: missense variant.
Genome position (GRCh38, 1-based): chr10:49,471,049, T>C on the plus strand (A>G on the coding strand, the complement: ERCC6 is on the minus strand). VCF-style: chr10-49471049-T-C. GRCh37 (hg19) VCF-style: chr10-50679095-T-C.
Other names: c.2996A>G, p.Asn999Ser (NM_001346440.2); short protein forms N999S.
Identifiers: ClinVar variation 300054 (VCV000300054.12), dbSNP rs760694729, ClinGen allele CA5495454.